The following is an entry in ClinVar:

ClinVar aggregate classification (germline): Pathogenic (1 of 4 stars; one submission).

Conditions:
Sulfite oxidase deficiency. Also called: Isolated sulfite oxidase deficiency. Identifiers: Orphanet 833, Orphanet 99731, MedGen C0268624, MONDO:0010089, OMIM 272300, HP:0003643.

Allele frequency attached by ClinVar (database versions not stated): gnomAD exomes below 0.00001.
gnomAD v4.1: 1 of 1,614,192 alleles (0.000062%); highest among the groups gnomAD compares: Non-Finnish European, 0.000085%; no homozygotes.

Submission:

Labcorp Genetics (formerly Invitae), Labcorp
Classification: Pathogenic for Sulfite oxidase deficiency. Last evaluated: 2025-11-09. Review status: criteria provided, single submitter. Criteria: Invitae Variant Classification Sherloc (09022015). Collection method: clinical testing. Allele origin: germline.
Comment: This sequence change creates a premature translational stop signal (p.Cys30*) in the SUOX gene. While this is not anticipated to result in nonsense mediated decay, it is expected to disrupt the last 516 amino acid(s) of the SUOX protein. This variant is not present in population databases (gnomAD no frequency). This variant has not been reported in the literature in individuals affected with SUOX-related conditions. ClinVar contains an entry for this variant (Variation ID: 1414343). Algorithms developed to predict the effect of sequence changes on RNA splicing suggest that this variant may create or strengthen a splice site. This variant disrupts a region of the SUOX protein in which other variant(s) (p.Tyr400*) have been determined to be pathogenic (PMID: 12112661, 23994568). This suggests that this is a clinically significant region of the protein, and that variants that disrupt it are likely to be disease-causing. For these reasons, this variant has been classified as Pathogenic.

Literature cited by the submitters: PubMed 12112661; PubMed 23994568.

NM_001032386.2(SUOX):c.90C>A (p.Cys30Ter)

Gene: SUOX (sulfite oxidase; plus strand). Cytogenetic location: 12q13.2.
Variant type: single nucleotide variant.
Coding change: c.90C>A on transcript NM_001032386.2 (MANE Select); coding-DNA position 90, C replaced by A.
Protein change: p.Cys30Ter; replaces cysteine 30 with a stop codon.
Molecular consequence: nonsense.
Genome position (GRCh38, 1-based): chr12:56,002,582, C>A. VCF-style: chr12-56002582-C-A. GRCh37 (hg19) VCF-style: chr12-56396366-C-A.
Other names: c.90C>A, p.Cys30Ter (NM_000456.3, NM_001032387.2); short protein forms C30*.
Identifiers: ClinVar variation 1414343 (VCV001414343.9), dbSNP rs2136509616, ClinGen allele CA385279232.